The following is an entry in ClinVar:

NM_000041.4(APOE):c.434G>A (p.Gly145Asp)

Gene: APOE (apolipoprotein E; plus strand). Cytogenetic location: 19q13.32.
Variant type: single nucleotide variant.
Coding change: c.434G>A on transcript NM_000041.4 (MANE Select); coding-DNA position 434, G replaced by A.
Protein change: p.Gly145Asp; replaces glycine 145 with aspartic acid.
Molecular consequence: missense variant.
Genome position (GRCh38, 1-based): chr19:44,908,730, G>A. VCF-style: chr19-44908730-G-A. GRCh37 (hg19) VCF-style: chr19-45411987-G-A.
Other names: G127D; c.512G>A, p.Gly171Asp (NM_001302688.2); c.434G>A, p.Gly145Asp (NM_001302689.2, NM_001302690.2, NM_001302691.2); short protein forms G145D, G171D.
Identifiers: ClinVar variation 478904 (VCV000478904.9), dbSNP rs267606664, ClinGen allele CA041273.

ClinVar aggregate classification (germline): Uncertain significance. Review status: criteria provided, multiple submitters, no conflicts (2 of 4 stars). 6 submissions from 6 submitters: Uncertain significance (4). 2 of the submissions do not count toward it. Last evaluated 2026-09-29.

Conditions:
Alzheimer disease 4 (AD4). Identifiers: Orphanet 1020, MedGen C1847200, MONDO:0011743, OMIM 606889.
Alzheimer disease 3 (AD3). Also called: ALZHEIMER DISEASE, FAMILIAL, 3. Identifiers: Orphanet 1020, MedGen C1843013, MONDO:0011913, OMIM 607822.
Alzheimer disease 2 (AD2). Also called: ALZHEIMER DISEASE 2, LATE-ONSET; ALZHEIMER DISEASE ASSOCIATED WITH APOE4. Identifiers: Orphanet 1020, MedGen C1863051, MONDO:0007089, OMIM 104310.
Sea-blue histiocyte syndrome. Also called: Sea-blue histiocytosis; SEA-BLUE HISTIOCYTE DISEASE. Identifiers: Orphanet 158029, MedGen C0036489, MONDO:0010017, OMIM 269600, HP:0001982.
Age related macular degeneration 1 (ARMD1). Also called: MACULOPATHY, AGE-RELATED, 1. Identifiers: MedGen C1864205, MONDO:0011285, OMIM 603075.
Lipoprotein glomerulopathy (LPG). Identifiers: Orphanet 329481, MedGen C2673196, MONDO:0012725, OMIM 611771.
Familial type 3 hyperlipoproteinemia. Also called: Hyperlipoproteinemia type 3; Hyperlipoproteinemia type III; Dysbetalipoproteinemia; Familial dysbetalipoproteinemia; Broad beta disease; Remnant removal disease. Identifiers: Orphanet 412, MedGen C0020479, MONDO:0018473, OMIM 617347.
Cardiovascular phenotype. Identifiers: MedGen CN230736.
Familial hypercholesterolemia. Also called: Familial hypercholesterolemias; Familial hypercholesterolaemia. Identifiers: MedGen C0020445, MONDO:0005439.
Hypercholesterolemia. Also called: Hypercholesterolaemia; Primary hypercholesterolemia. Identifiers: MedGen C0020443, MeSH D006937, HP:0003124.

Allele frequency attached by ClinVar (database versions not stated): gnomAD 0.00013 and 0.00015; ExAC 0.00038; ESP Exome Variant Server 0.00016; TOPMed 0.00017.

Submissions (6):

Cambridge Genomics Laboratory, East Genomic Laboratory Hub, NHS Genomic Medicine Service
Classification: Uncertain significance for Familial hypercholesterolaemia. Last evaluated: 2026-09-29. Review status: criteria provided, single submitter. Criteria: ACGS Best Practice Guidelines for Variant Classification in Rare Disease 2020. Collection method: clinical testing. Allele origin: germline. Affected: yes.
Comment: BS1_Strong

Ambry Genetics
Classification: Uncertain significance for Cardiovascular phenotype. Last evaluated: 2024-10-18. Review status: criteria provided, single submitter. Criteria: Ambry Variant Classification Scheme 2023. Collection method: clinical testing. Allele origin: germline.
Comment: The p.G145D variant (also known as c.434G>A), located in coding exon 3 of the APOE gene, results from a G to A substitution at nucleotide position 434. The glycine at codon 145 is replaced by aspartic acid, an amino acid with similar properties. This variant has been reported in individual(s) in dyslipidemia cohorts, but clinical details were limited, and it has been seen in conjunction with additional related alterations, including the APOE homozygous &epsilon;2 allele (Iron A et al. J Inherit Metab Dis, 1995;18:723-6; Feussner G et al. Hum Mutat, 1998;11:417-23; Civeira F et al. Am Heart J, 1999 Jul;138:156-62; Evans D et al. J Clin Lipidol, 2013 May;7:671-4; Cefal&ugrave; AB et al. J Clin Lipidol, 2017 Jan;11:272-281.e8; Le R et al. J Investig Med High Impact Case Rep, 2019;7:2324709619877050; Rasmussen KL et al. Alzheimers Dement, 2020 Dec;16:1624-1637; Limonova AS et al. Front Cardiovasc Med, 2020 Jan;7:585779). This amino acid position is well conserved in available vertebrate species. In addition, the in silico prediction for this alteration is inconclusive. Based on the available evidence, the clinical significance of this variant remains unclear.

Fulgent Genetics
Classification: Uncertain significance for Alzheimer disease 2; Sea-blue histiocyte syndrome; Age related macular degeneration 1; Alzheimer disease 4; Alzheimer disease 3; Lipoprotein glomerulopathy; Familial type 3 hyperlipoproteinemia. Last evaluated: 2022-03-14. Review status: criteria provided, single submitter. Criteria: ACMG Guidelines, 2015. Collection method: clinical testing. Allele origin: unknown.

Institute of Human Genetics, University of Leipzig Medical Center
Classification: Uncertain significance for Hypercholesterolemia. Last evaluated: 2019-01-01. Review status: criteria provided, single submitter. Criteria: ACMG Guidelines, 2015. Collection method: clinical testing. Allele origin: unknown. Affected: yes.

Clinical Genetics, Academic Medical Center
Classification: Uncertain significance. Review status: no assertion criteria provided. Collection method: clinical testing. Allele origin: germline. Affected: yes. Study: VKGL Data-share Consensus. Not counted in ClinVar's aggregate classification.

Genome Diagnostics Laboratory, Amsterdam University Medical Center
Classification: Uncertain significance. Review status: no assertion criteria provided. Collection method: clinical testing. Allele origin: germline. Affected: yes. Study: VKGL Data-share Consensus. Not counted in ClinVar's aggregate classification.

Literature cited by the submitters: PubMed 10385780 (cited by Ambry Genetics); PubMed 24314366 (cited by Ambry Genetics); PubMed 28391895 (cited by Ambry Genetics); PubMed 31538826 (cited by Ambry Genetics); PubMed 32808727 (cited by Ambry Genetics); PubMed 33537346 (cited by Ambry Genetics); PubMed 8750611 (cited by Ambry Genetics); PubMed 9603433 (cited by Ambry Genetics).